The following is an entry in ClinVar:

NM_001271696.3(ABCB7):c.557C>A (p.Ala186Glu)

Gene: ABCB7 (ATP binding cassette subfamily B member 7; minus strand). Cytogenetic location: Xq13.3.
Variant type: single nucleotide variant.
Coding change: c.557C>A on transcript NM_001271696.3 (MANE Select); coding-DNA position 557, C replaced by A.
Protein change: p.Ala186Glu; replaces alanine 186 with glutamic acid.
Molecular consequence: missense variant.
Genome position (GRCh38, 1-based): chrX:75,076,551, G>T on the plus strand (C>A on the coding strand, the complement: ABCB7 is on the minus strand). VCF-style: chrX-75076551-G-T. GRCh37 (hg19) VCF-style: chrX-74296386-G-T.
Other names: c.437C>A, p.Ala146Glu (NM_001271697.3); c.479C>A, p.Ala160Glu (NM_001271698.3); c.440C>A, p.Ala147Glu (NM_001271699.3); c.560C>A, p.Ala187Glu (NM_004299.6); short protein forms A147E, A187E, A160E, A186E, A146E.
Identifiers: ClinVar variation 2851545 (VCV002851545.3), dbSNP rs375914198, ClinGen allele CA10455501.

ClinVar aggregate classification (germline): Uncertain significance (1 of 4 stars; one submission).

Allele frequency attached by ClinVar (database versions not stated): TOPMed below 0.00001; ExAC 0.00001; gnomAD 0.00002; ESP Exome Variant Server 0.00009.
gnomAD v4.1: 2 of 1,209,471 alleles (0.00017%); highest among the groups gnomAD compares: African/African-American, 0.0035%; no homozygotes.

Submission:

Labcorp Genetics (formerly Invitae), Labcorp
Classification: Uncertain significance. Last evaluated: 2023-09-08. Review status: criteria provided, single submitter. Criteria: Invitae Variant Classification Sherloc (09022015). Collection method: clinical testing. Allele origin: germline.
Comment: This variant is present in population databases (rs375914198, gnomAD 0.008%). This sequence change replaces alanine, which is neutral and non-polar, with glutamic acid, which is acidic and polar, at codon 187 of the ABCB7 protein (p.Ala187Glu). This variant has not been reported in the literature in individuals affected with ABCB7-related conditions. In summary, the available evidence is currently insufficient to determine the role of this variant in disease. Therefore, it has been classified as a Variant of Uncertain Significance. An algorithm developed to predict the effect of missense changes on protein structure and function (PolyPhen-2) suggests that this variant is likely to be tolerated.